The following is an entry in ClinVar:

NM_001105247.2(ARMC5):c.1767_1771dup (p.Leu591fs)

Gene: ARMC5 (armadillo repeat containing 5; plus strand). Cytogenetic location: 16p11.2.
Variant type: Microsatellite.
Coding change: c.1767_1771dup on transcript NM_001105247.2 (MANE Select); coding-DNA positions 1767 to 1771, 5 bases duplicated (GGCGC; older notation c.1767_1771dupGGCGC).
Protein change: p.Leu591fs; shifts the reading frame from leucine 591.
Molecular consequence: frameshift variant.
Genome position (GRCh38, 1-based): chr16:31,464,790-31,464,794, GGCGC duplicated; duplicating any 5 consecutive bases within chr16:31,464,785-31,464,794 gives the same sequence; the c. name uses the placement nearest the transcript's 3' end. VCF-style (leftmost placement, unchanged base first): chr16-31464784-T-TGGCGC. GRCh37 (hg19) VCF-style: chr16-31476105-T-TGGCGC.
Other names: c.2052_2056dup, p.Leu686fs (NM_001288767.2); c.1863_1867dup, p.Leu623fs (NM_001301820.1); c.1767_1771dup, p.Leu591fs (NM_024742.2); short protein forms L686fs, L591fs, L623fs.
Identifiers: ClinVar variation 666958 (VCV000666958.4), dbSNP rs1596605496, ClinGen allele CA915949254.

ClinVar aggregate classification (germline): Likely pathogenic (1 of 4 stars; one submission).

Conditions:
ACTH-independent macronodular adrenal hyperplasia 2. Also called: PRIMARY MACRONODULAR ADRENAL HYPERPLASIA. Identifiers: Orphanet 189427, MedGen C4014803, MONDO:0014416, OMIM 615954.

Submission:

Laboratory for Molecular Medicine, Mass General Brigham Personalized Medicine
Classification: Likely pathogenic for ACTH-independent macronodular adrenal hyperplasia 2. Last evaluated: 2018-10-22. Review status: criteria provided, single submitter. Criteria: LMM Criteria. Collection method: clinical testing. Allele origin: germline. Inheritance: Autosomal dominant inheritance. Observed: 1 variant allele.
Comment: The p.Leu591ArgfsX41 variant in ARMC5 has not been previously reported in affect ed individuals and was absent from large population studies (gnomAD). This variant is predicted to cause a frameshift, which a lters the protein?s amino acid sequence beginning at position 591 and leads to a premature termination codon 41 amino acids downstream. This alteration is then predicted to lead to a truncated or absent protein. Loss of function of the ARMC 5 gene is an established disease mechanism in autosomal dominant primary macrono dular adrenal hyperplasia. In summary, although additional studies are required to fully establish its clinical significance, the p.Leu591ArgfsX41 variant is li kely pathogenic. ACMG/AMP Criteria applied: PVS1, PM2.